The following is an entry in ClinVar:

ClinVar aggregate classification (germline): Uncertain significance. Review status: criteria provided, multiple submitters, no conflicts (2 of 4 stars). 2 submissions from 2 submitters: Uncertain significance (2). Last evaluated 2024-02-17.

Conditions:
Brugada syndrome 8 (BRGDA8). Identifiers: Orphanet 130, MedGen C2751083, MONDO:0013148, OMIM 613123.
Cardiovascular phenotype. Identifiers: MedGen CN230736.

Allele frequency attached by ClinVar (database versions not stated): TOPMed 0.00001.
gnomAD v4.1: 5 of 1,511,934 alleles (0.00033%); highest among the groups gnomAD compares: Admixed American, 0.0021%; no homozygotes.

Submissions (2):

Ambry Genetics
Classification: Uncertain significance for Cardiovascular phenotype. Last evaluated: 2024-02-17. Review status: criteria provided, single submitter. Criteria: Ambry Variant Classification Scheme 2023. Collection method: clinical testing. Allele origin: germline.
Comment: The p.R49G variant (also known as c.145C>G), located in coding exon 1 of the HCN4 gene, results from a C to G substitution at nucleotide position 145. The arginine at codon 49 is replaced by glycine, an amino acid with dissimilar properties. This amino acid position is conserved. In addition, the in silico prediction for this alteration is inconclusive. Based on the available evidence, the clinical significance of this alteration remains unclear.

Labcorp Genetics (formerly Invitae), Labcorp
Classification: Uncertain significance for Brugada syndrome 8. Last evaluated: 2024-02-17. Review status: criteria provided, single submitter. Criteria: Invitae Variant Classification Sherloc (09022015). Collection method: clinical testing. Allele origin: germline.
Comment: This sequence change replaces arginine, which is basic and polar, with glycine, which is neutral and non-polar, at codon 49 of the HCN4 protein (p.Arg49Gly). This variant is not present in population databases (gnomAD no frequency). This variant has not been reported in the literature in individuals affected with HCN4-related conditions. Advanced modeling of protein sequence and biophysical properties (such as structural, functional, and spatial information, amino acid conservation, physicochemical variation, residue mobility, and thermodynamic stability) performed at Invitae indicates that this missense variant is not expected to disrupt HCN4 protein function with a negative predictive value of 95%. In summary, the available evidence is currently insufficient to determine the role of this variant in disease. Therefore, it has been classified as a Variant of Uncertain Significance.

NM_005477.3(HCN4):c.145C>G (p.Arg49Gly)

Gene: HCN4 (hyperpolarization activated cyclic nucleotide gated potassium channel 4; minus strand). Cytogenetic location: 15q24.1.
Variant type: single nucleotide variant.
Coding change: c.145C>G on transcript NM_005477.3 (MANE Select); coding-DNA position 145, C replaced by G.
Protein change: p.Arg49Gly; replaces arginine 49 with glycine.
Molecular consequence: missense variant.
Genome position (GRCh38, 1-based): chr15:73,368,126, G>C on the plus strand (C>G on the coding strand, the complement: HCN4 is on the minus strand). VCF-style: chr15-73368126-G-C. GRCh37 (hg19) VCF-style: chr15-73660467-G-C.
Other names: short protein forms R49G.
Identifiers: ClinVar variation 3224714 (VCV003224714.3), dbSNP rs1477109893, ClinGen allele CA393098885.